The following is an entry in ClinVar:

NM_000722.4(CACNA2D1):c.3160-1G>A

Gene: CACNA2D1 (calcium voltage-gated channel auxiliary subunit alpha2delta 1; minus strand). Cytogenetic location: 7q21.11.
Variant type: single nucleotide variant.
Coding change: c.3160-1G>A on transcript NM_000722.4 (MANE Select); the canonical splice acceptor site of the intron before coding-DNA position 3160, G replaced by A.
Molecular consequence: splice acceptor variant.
Genome position (GRCh38, 1-based): chr7:81,950,509, C>T on the plus strand (G>A on the coding strand, the complement: CACNA2D1 is on the minus strand). VCF-style: chr7-81950509-C-T. GRCh37 (hg19) VCF-style: chr7-81579825-C-T.
Other names: c.3196-1G>A (NM_001366867.1).
Identifiers: ClinVar variation 3657619 (VCV003657619.3).

ClinVar aggregate classification (germline): Uncertain significance. Review status: criteria provided, multiple submitters, no conflicts (2 of 4 stars). 2 submissions from 2 submitters: Uncertain significance (2). Last evaluated 2024-06-24.

Conditions:
Brugada syndrome. Also called: Sudden Unexplained Death Syndrome; Sudden Unexplained Nocturnal Death Syndrome (SUNDS); Sudden unexpected nocturnal death syndrome; Sudden unexplained nocturnal death syndrome. Identifiers: Orphanet 130, MedGen C1142166, MONDO:0015263.

Submissions (2):

Labcorp Genetics (formerly Invitae), Labcorp
Classification: Uncertain significance for Brugada syndrome. Last evaluated: 2024-06-24. Review status: criteria provided, single submitter. Criteria: Invitae Variant Classification Sherloc (09022015). Collection method: clinical testing. Allele origin: germline.
Comment: This sequence change falls in intron 38 of the CACNA2D1 gene. It does not directly change the encoded amino acid sequence of the CACNA2D1 protein. It affects a nucleotide within the consensus splice site. This variant is not present in population databases (gnomAD no frequency). This variant has not been reported in the literature in individuals affected with CACNA2D1-related conditions. Variants that disrupt the consensus splice site are a relatively common cause of aberrant splicing (PMID: 17576681, 9536098). Algorithms developed to predict the effect of sequence changes on RNA splicing suggest that this variant may disrupt the consensus splice site. In summary, the available evidence is currently insufficient to determine the role of this variant in disease. Therefore, it has been classified as a Variant of Uncertain Significance.

Blueprint Genetics
Classification: Uncertain significance. Last evaluated: 2019-07-05. Review status: criteria provided, single submitter. Criteria: ACMG Guidelines, 2015. Collection method: clinical testing. Allele origin: germline.

Literature cited by the submitters: PubMed 17576681 (cited by Labcorp Genetics (formerly Invitae), Labcorp); PubMed 9536098 (cited by Labcorp Genetics (formerly Invitae), Labcorp).